The following is an entry in ClinVar:

ClinVar aggregate classification (germline): Uncertain significance. Review status: criteria provided, multiple submitters, no conflicts (2 of 4 stars). 2 submissions from 2 submitters: Uncertain significance (2). Last evaluated 2024-06-10.

Conditions:
Hereditary cancer-predisposing syndrome. Also called: Tumor predisposition; Hereditary neoplastic syndrome; Hereditary Cancer Syndrome; Neoplastic Syndromes, Hereditary. Identifiers: Orphanet 140162, MedGen C0027672, MeSH D009386, MONDO:0015356.

Allele frequency attached by ClinVar (database versions not stated): gnomAD exomes 0.00001; TOPMed 0.00001.
gnomAD v4.1: 10 of 1,613,204 alleles (0.00062%); highest among the groups gnomAD compares: Non-Finnish European, 0.00076%; no homozygotes.

Submissions (2):

Labcorp Genetics (formerly Invitae), Labcorp
Classification: Uncertain significance for Hereditary cancer-predisposing syndrome. Last evaluated: 2024-06-10. Review status: criteria provided, single submitter. Criteria: Invitae Variant Classification Sherloc (09022015). Collection method: clinical testing. Allele origin: germline.
Comment: This sequence change replaces alanine, which is neutral and non-polar, with threonine, which is neutral and polar, at codon 1246 of the RAD50 protein (p.Ala1246Thr). This variant is not present in population databases (gnomAD no frequency). This variant has not been reported in the literature in individuals affected with RAD50-related conditions. ClinVar contains an entry for this variant (Variation ID: 577274). Advanced modeling of protein sequence and biophysical properties (such as structural, functional, and spatial information, amino acid conservation, physicochemical variation, residue mobility, and thermodynamic stability) performed at Invitae indicates that this missense variant is expected to disrupt RAD50 protein function with a positive predictive value of 80%. In summary, the available evidence is currently insufficient to determine the role of this variant in disease. Therefore, it has been classified as a Variant of Uncertain Significance.

Ambry Genetics
Classification: Uncertain significance for Hereditary cancer-predisposing syndrome. Last evaluated: 2022-11-04. Review status: criteria provided, single submitter. Criteria: Ambry Variant Classification Scheme 2023. Collection method: clinical testing. Allele origin: germline.
Comment: The p.A1246T variant (also known as c.3736G>A), located in coding exon 24 of the RAD50 gene, results from a G to A substitution at nucleotide position 3736. The alanine at codon 1246 is replaced by threonine, an amino acid with similar properties. This amino acid position is conserved. In addition, this alteration is predicted to be tolerated by in silico analysis. Since supporting evidence is limited at this time, the clinical significance of this alteration remains unclear.

NM_005732.4(RAD50):c.3736G>A (p.Ala1246Thr)

Genes: TH2LCRR (T helper type 2 locus control region associated RNA; minus strand), TH2-LCR (Th2 cytokine locus control region; plus strand), RAD50 (RAD50 double strand break repair protein; plus strand). Cytogenetic location: 5q31.1.
Variant type: single nucleotide variant.
Coding change: c.3736G>A on transcript NM_005732.4 (MANE Select); coding-DNA position 3736, G replaced by A.
Protein change: p.Ala1246Thr; replaces alanine 1246 with threonine.
Molecular consequence: missense variant.
Genome position (GRCh38, 1-based): chr5:132,640,789, G>A. VCF-style: chr5-132640789-G-A. GRCh37 (hg19) VCF-style: chr5-131976481-G-A.
Other names: short protein forms A1246T.
Identifiers: ClinVar variation 577274 (VCV000577274.10), dbSNP rs1561661047, ClinGen allele CA360934934.